The following is an entry in ClinVar:

NM_014804.3(KIAA0753):c.944A>G (p.Gln315Arg)

Gene: KIAA0753 (KIAA0753; minus strand). Cytogenetic location: 17p13.1.
Variant type: single nucleotide variant.
Coding change: c.944A>G on transcript NM_014804.3 (MANE Select); coding-DNA position 944, A replaced by G.
Protein change: p.Gln315Arg; replaces glutamine 315 with arginine.
Molecular consequence: missense variant. On other transcripts: non-coding transcript variant (3).
Genome position (GRCh38, 1-based): chr17:6,623,042, T>C on the plus strand (A>G on the coding strand, the complement: KIAA0753 is on the minus strand). VCF-style: chr17-6623042-T-C. GRCh37 (hg19) VCF-style: chr17-6526362-T-C.
Other names: c.47A>G, p.Gln16Arg (NM_001351225.2); c.944A>G (NM_014804.2); short protein forms Q16R, Q315R.
Identifiers: ClinVar variation 2148974 (VCV002148974.3), dbSNP rs369857425, ClinGen allele CA8330643.

ClinVar aggregate classification (germline): Uncertain significance. Review status: criteria provided, multiple submitters, no conflicts (2 of 4 stars). 2 submissions from 2 submitters: Uncertain significance (2). Last evaluated 2023-09-29.

Conditions:
Inborn genetic diseases. Identifiers: MedGen C0950123, MeSH D030342.

Allele frequency attached by ClinVar (database versions not stated): ExAC 0.00004; TOPMed 0.00005; ESP Exome Variant Server 0.00008; gnomAD 0.00008; 1000 Genomes Project 30x 0.00016.
gnomAD v4.1: 140 of 1,614,134 alleles (0.0087%); highest among the groups gnomAD compares: Non-Finnish European, 0.012%; no homozygotes.

Submissions (2):

Ambry Genetics
Classification: Uncertain significance for Inborn genetic diseases. Last evaluated: 2023-09-29. Review status: criteria provided, single submitter. Criteria: Ambry Variant Classification Scheme 2023. Collection method: clinical testing. Allele origin: germline.

Labcorp Genetics (formerly Invitae), Labcorp
Classification: Uncertain significance. Last evaluated: 2022-05-06. Review status: criteria provided, single submitter. Criteria: Invitae Variant Classification Sherloc (09022015). Collection method: clinical testing. Allele origin: germline.
Comment: This sequence change replaces glutamine, which is neutral and polar, with arginine, which is basic and polar, at codon 315 of the KIAA0753 protein (p.Gln315Arg). This variant is present in population databases (rs369857425, gnomAD 0.01%). This variant has not been reported in the literature in individuals affected with KIAA0753-related conditions. Algorithms developed to predict the effect of missense changes on protein structure and function are either unavailable or do not agree on the potential impact of this missense change (SIFT: "Deleterious"; PolyPhen-2: "Benign"; Align-GVGD: "Class C0"). In summary, the available evidence is currently insufficient to determine the role of this variant in disease. Therefore, it has been classified as a Variant of Uncertain Significance.